The following is an entry in ClinVar:

ClinVar aggregate classification (germline): Uncertain significance (1 of 4 stars; one submission).

Conditions:
MC4R-related disorder. Also called: MC4R-related condition.

Submission:

PreventionGenetics, part of Exact Sciences
Classification: Uncertain significance for MC4R-related condition. Last evaluated: 2026-06-03. Review status: criteria provided, single submitter. Criteria: ACMG Guidelines, 2015. Collection method: clinical testing. Allele origin: germline.
Comment: The MC4R c.461C>A variant is predicted to result in the amino acid substitution p.Ala154Asp. This variant has been reported in multiple individuals with obesity (Cummings et al. 2002. PubMed ID: 12091883; Lubrano-Berthelier et al. 2006. PubMed ID: 16507637; Stutzmann et al. 2008. PubMed ID: 18559663). In vitro experimental studies suggest this variant decreases basal/constitutive activity to 7-11% of control, impairs ligand-stimulated ERK1/2 activation, and reduces β-arrestin 2 recruitment to 38.80% of control, while preserving maximal cAMP response and cell surface expression (Tao et al. 2005. PubMed ID: 16030156; Govaerts et al. 2005. PubMed ID: 16083993; Lubrano-Berthelier et al. 2006. PubMed ID: 16507637; Xiang et al. 2010. PubMed ID: 20462274; He et al. 2014. PubMed ID: 25332687; Table S2, Lotta et al. 2019. PubMed ID: 31002796). This variant is reported in 0.0018% of alleles in individuals of European (Non-Finnish) descent in gnomAD. Although we suspect that this variant may be pathogenic, at this time, the clinical significance of this variant is uncertain due to the absence of conclusive functional and genetic evidence.

NM_005912.3(MC4R):c.461C>A (p.Ala154Asp)

Gene: MC4R (melanocortin 4 receptor; minus strand). Cytogenetic location: 18q21.32.
Variant type: single nucleotide variant.
Coding change: c.461C>A on transcript NM_005912.3 (MANE Select); coding-DNA position 461, C replaced by A.
Protein change: p.Ala154Asp; replaces alanine 154 with aspartic acid.
Molecular consequence: missense variant.
Genome position (GRCh38, 1-based): chr18:60,371,889, G>T on the plus strand (C>A on the coding strand, the complement: MC4R is on the minus strand). VCF-style: chr18-60371889-G-T. GRCh37 (hg19) VCF-style: chr18-58039122-G-T.
Other names: short protein forms A154D.
Identifiers: ClinVar variation 4977033 (VCV004977033.1).